The following is an entry in ClinVar:

NM_000277.3(PAH):c.842+4A>T

Gene: PAH (phenylalanine hydroxylase; minus strand). Cytogenetic location: 12q23.2.
Variant type: single nucleotide variant.
Coding change: c.842+4A>T on transcript NM_000277.3 (MANE Select); 4 bases into the intron after coding-DNA position 842, A replaced by T.
Molecular consequence: intron variant.
Genome position (GRCh38, 1-based): chr12:102,852,811, T>A on the plus strand (A>T on the coding strand, the complement: PAH is on the minus strand). VCF-style: chr12-102852811-T-A. GRCh37 (hg19) VCF-style: chr12-103246589-T-A.
Other names: c.842+4A>T (NM_001354304.2).
Identifiers: ClinVar variation 805820 (VCV000805820.1), dbSNP rs1555204434, ClinGen allele CA16020871.
Genomic context (GRCh38, chr12:102,852,811, plus strand): 5'-CTTGCAGCAGGAAAAGATGGCGCTCATTGTGCCTGGCAACTGGTAGCTGGAGGACAGTAC[T>A]CACGGTTCGGGGGTATACATGGGCTTGGATCCATGTCTGATGTACTGTGTGCAGTGGAAG-3'

ClinVar aggregate classification (germline): Uncertain significance (3 of 4 stars; one submission).

Conditions:
Phenylketonuria (PKU). Also called: FOLLING DISEASE; Phenylketonuria (PKU); OLIGOPHRENIA PHENYLPYRUVICA; Phenylketonurias. Identifiers: Orphanet 716, MedGen C0031485, MONDO:0009861, OMIM 261600. Disease mechanism: loss of function.

Submission:

ClinGen PAH Variant Curation Expert Panel
Classification: Uncertain significance for Phenylketonuria. Last evaluated: 2019-06-09. Review status: reviewed by expert panel. Criteria: ClinGen PAH ACMG Specifications v1. Collection method: curation. Allele origin: germline. Inheritance: Autosomal recessive inheritance.
Comment: The c.842+4A>T PAH variant has been reported in PKU patients (PMID: 25863075). This variant is absent from 1000G, ESP, and gnomAD databases. This is an intronic variant in a highly conserved nucleotide, and computational analyses predict that this variant abolishes the donor splice site of intron 7. In summary, this variant meets criteria to be classified as uncertain significance for PAH. PAH-specific ACMG/AMP criteria applied: PP3, PM2, PP4.

Literature cited by the submitters: PubMed 25863075.